The following is an entry in ClinVar:

ClinVar aggregate classification (germline): Uncertain significance (1 of 4 stars; one submission).

Conditions:
Wilson disease (WND). Also called: Wilson's disease. Identifiers: Orphanet 905, MedGen C0019202, MONDO:0010200, OMIM 277900. Disease mechanism: loss of function.

Submission:

All of Us Research Program, National Institutes of Health
Classification: Uncertain significance for Wilson disease. Last evaluated: 2023-10-02. Review status: criteria provided, single submitter. Criteria: ACMG Guidelines, 2015. Collection method: clinical testing. Allele origin: germline. Inheritance: Autosomal recessive inheritance. Observed: 1 variant allele, 1 heterozygote.
Comment: This missense variant replaces threonine with isoleucine at codon 1178 of the ATP7B protein. Computational prediction suggests that this variant may have deleterious impact on protein structure and function (internally defined REVEL score threshold >= 0.7, PMID: 27666373). To our knowledge, functional studies have not been reported for this variant. This variant has not been reported in individuals affected with ATP7B-related disorders in the literature. This variant has not been identified in the general population by the Genome Aggregation Database (gnomAD). The available evidence is insufficient to determine the role of this variant in disease conclusively. Therefore, this variant is classified as a Variant of Uncertain Significance.

This study involves interpretation of variants in research participants for the purpose of population health screening. Participant phenotype was not available at the time of variant classification. Additional details can be found in publication PMID: 35346344, PMCID: PMC8962531

NM_000053.4(ATP7B):c.3533C>T (p.Thr1178Ile)

Gene: ATP7B (ATPase copper transporting beta; minus strand). Cytogenetic location: 13q14.3.
Variant type: single nucleotide variant.
Coding change: c.3533C>T on transcript NM_000053.4 (MANE Select); coding-DNA position 3533, C replaced by T.
Protein change: p.Thr1178Ile; replaces threonine 1178 with isoleucine.
Molecular consequence: missense variant. On other transcripts: intron variant (2).
Genome position (GRCh38, 1-based): chr13:51,941,104, G>A on the plus strand (C>T on the coding strand, the complement: ATP7B is on the minus strand). VCF-style: chr13-51941104-G-A. GRCh37 (hg19) VCF-style: chr13-52515240-G-A.
Other names: c.2912C>T, p.Thr971Ile (NM_001005918.3); c.3200C>T, p.Thr1067Ile (NM_001243182.2); c.3299C>T, p.Thr1100Ile (NM_001330578.2, NM_001406527.1, NM_001406528.1); c.3281C>T, p.Thr1094Ile (NM_001330579.2, NM_001406531.1, NM_001406532.1); c.3533C>T, p.Thr1178Ile (NM_001406511.1, NM_001406512.1, NM_001406526.1); c.3527C>T, p.Thr1176Ile (NM_001406513.1); c.3500C>T, p.Thr1167Ile (NM_001406514.1); c.3479C>T, p.Thr1160Ile (NM_001406515.1, NM_001406516.1); and 20 more; short protein forms T1016I, T1029I, T1035I, T1065I, T1067I, T1068I, T1082I, T1094I.
Identifiers: ClinVar variation 3073524 (VCV003073524.1), dbSNP rs1957303561, ClinGen allele CA388026018.
Genomic context (GRCh38, chr13:51,941,104, plus strand): 5'-TCTGAGAGAGCGGAAGGAAGGCAGAAGCAGAAGATACCGTCAATAGCCACCAGGATGGCT[G>A]TCTGTCCTTTCATCTCGTGGTCTGTCATAGCGTCACTGACATCGCTAGAAATGGTTAAAC-3'
Protein context (NP_000044.2, residues 1168-1188): AMTDHEMKGQ[Thr1178Ile]AILVAIDGVL